The following is an entry in ClinVar:

NM_006361.6(HOXB13):c.650G>C (p.Arg217Pro)

Gene: HOXB13 (homeobox B13; minus strand). Cytogenetic location: 17q21.32.
Variant type: single nucleotide variant.
Coding change: c.650G>C on transcript NM_006361.6 (MANE Select); coding-DNA position 650, G replaced by C.
Protein change: p.Arg217Pro; replaces arginine 217 with proline.
Molecular consequence: missense variant.
Genome position (GRCh38, 1-based): chr17:48,726,995, C>G on the plus strand (G>C on the coding strand, the complement: HOXB13 is on the minus strand). VCF-style: chr17-48726995-C-G. GRCh37 (hg19) VCF-style: chr17-46804357-C-G.
Other names: short protein forms R217P.
Identifiers: ClinVar variation 691135 (VCV000691135.10), dbSNP rs749518336, ClinGen allele CA400106865.

ClinVar aggregate classification (germline): Uncertain significance. Review status: criteria provided, multiple submitters, no conflicts (2 of 4 stars). 3 submissions from 3 submitters: Uncertain significance (2). 1 of the submissions does not count toward it. Last evaluated 2024-09-06.

Conditions:
Prostate cancer, hereditary, 1 (HPC1). Identifiers: Orphanet 1331, MedGen C4722327, MONDO:0011098, OMIM 601518.
Hereditary cancer-predisposing syndrome. Also called: Neoplastic Syndromes, Hereditary; Tumor predisposition; Hereditary neoplastic syndrome; Hereditary Cancer Syndrome. Identifiers: Orphanet 140162, MedGen C0027672, MeSH D009386, MONDO:0015356.

Submissions (3):

Ambry Genetics
Classification: Uncertain significance for Hereditary cancer-predisposing syndrome. Last evaluated: 2024-09-06. Review status: criteria provided, single submitter. Criteria: Ambry Variant Classification Scheme 2023. Collection method: clinical testing. Allele origin: germline.
Comment: The p.R217P variant (also known as c.650G>C), located in coding exon 2 of the HOXB13 gene, results from a G to C substitution at nucleotide position 650. The arginine at codon 217 is replaced by proline, an amino acid with dissimilar properties. This amino acid position is highly conserved in available vertebrate species. In addition, this alteration is predicted to be deleterious by in silico analysis. Based on the available evidence, the clinical significance of this variant remains unclear.

Labcorp Genetics (formerly Invitae), Labcorp
Classification: Uncertain significance. Last evaluated: 2023-11-06. Review status: criteria provided, single submitter. Criteria: Invitae Variant Classification Sherloc (09022015). Collection method: clinical testing. Allele origin: germline.
Comment: This sequence change replaces arginine, which is basic and polar, with proline, which is neutral and non-polar, at codon 217 of the HOXB13 protein (p.Arg217Pro). This variant is not present in population databases (gnomAD no frequency). This variant has not been reported in the literature in individuals affected with HOXB13-related conditions. ClinVar contains an entry for this variant (Variation ID: 691135). Advanced modeling of protein sequence and biophysical properties (such as structural, functional, and spatial information, amino acid conservation, physicochemical variation, residue mobility, and thermodynamic stability) performed at Invitae indicates that this missense variant is expected to disrupt HOXB13 protein function with a positive predictive value of 80%. In summary, the available evidence is currently insufficient to determine the role of this variant in disease. Therefore, it has been classified as a Variant of Uncertain Significance.

Laboratory of Virology, Microbiology,  Quality and Medical Biotechnologies, Faculty of Sciences and Techniques - Mohammedia, Hassan II University of Casablanca
Classification: Uncertain significance for Prostate cancer, hereditary, 1. Review status: no assertion criteria provided. Collection method: clinical testing. Allele origin: somatic. Affected: yes. Not counted in ClinVar's aggregate classification.